The following is an entry in ClinVar:

NM_170606.3(KMT2C):c.7593G>A (p.Met2531Ile)

Gene: KMT2C (lysine methyltransferase 2C; minus strand). Cytogenetic location: 7q36.1.
Variant type: single nucleotide variant.
Coding change: c.7593G>A on transcript NM_170606.3 (MANE Select); coding-DNA position 7593, G replaced by A.
Protein change: p.Met2531Ile; replaces methionine 2531 with isoleucine.
Molecular consequence: missense variant.
Genome position (GRCh38, 1-based): chr7:152,177,860, C>T on the plus strand (G>A on the coding strand, the complement: KMT2C is on the minus strand). VCF-style: chr7-152177860-C-T. GRCh37 (hg19) VCF-style: chr7-151874945-C-T.
Other names: short protein forms M2531I.
Identifiers: ClinVar variation 4527424 (VCV004527424.1), dbSNP rs267601428.

ClinVar aggregate classification (germline): Uncertain significance (1 of 4 stars; one submission).

Submission:

GeneDx
Classification: Uncertain significance. Last evaluated: 2025-04-30. Review status: criteria provided, single submitter. Criteria: GeneDx Variant Classification Process June 2021. Collection method: clinical testing. Allele origin: germline. Affected: yes.
Comment: Not observed at significant frequency in large population cohorts (gnomAD); In silico analysis indicates that this missense variant does not alter protein structure/function; Has not been previously published as pathogenic or benign to our knowledge